The following is an entry in ClinVar:

ClinVar aggregate classification (germline): Uncertain significance. Review status: criteria provided, multiple submitters, no conflicts (2 of 4 stars). 2 submissions from 2 submitters: Uncertain significance (2). Last evaluated 2022-12-01.

Conditions:
Inborn genetic diseases. Identifiers: MedGen C0950123, MeSH D030342.
Autosomal recessive congenital ichthyosis 10 (ARCI10). Identifiers: Orphanet 79394, MedGen C3554355, MONDO:0014011, OMIM 615024.

Allele frequency attached by ClinVar (database versions not stated): gnomAD 0.00001; TOPMed 0.00001.
gnomAD v4.1: 14 of 1,613,428 alleles (0.00087%); highest among the groups gnomAD compares: Middle Eastern, 0.016%; no homozygotes.

Submissions (2):

Ambry Genetics
Classification: Uncertain significance for Inborn genetic diseases. Last evaluated: 2022-12-01. Review status: criteria provided, single submitter. Criteria: Ambry Variant Classification Scheme 2023. Collection method: clinical testing. Allele origin: germline.

3billion
Classification: Uncertain significance for Autosomal recessive congenital ichthyosis 10. Last evaluated: 2022-09-01. Review status: criteria provided, single submitter. Criteria: ACMG Guidelines, 2015. Collection method: clinical testing. Allele origin: germline. Affected: yes. Observed: 1 heterozygote.
Comment: The variant is observed at an extremely low frequency in the gnomAD v2.1.1 dataset (total allele frequency: 0.001%). Missense changes are a common disease-causing mechanism. However, the evidence of pathogenicity is insufficient at this time. Therefore, this variant is classified as uncertain significance according to the recommendation of ACMG/AMP guideline.

NM_001374623.1(PNPLA1):c.1489T>C (p.Ser497Pro)

Gene: PNPLA1 (patatin like domain 1, omega-hydroxyceramide transacylase; plus strand). Cytogenetic location: 6p21.31.
Variant type: single nucleotide variant.
Coding change: c.1489T>C on transcript NM_001374623.1 (MANE Select); coding-DNA position 1489, T replaced by C.
Protein change: p.Ser497Pro; replaces serine 497 with proline.
Molecular consequence: missense variant.
Genome position (GRCh38, 1-based): chr6:36,307,606, T>C. VCF-style: chr6-36307606-T-C. GRCh37 (hg19) VCF-style: chr6-36275383-T-C.
Other names: c.1231T>C, p.Ser411Pro (NM_001145716.2); c.1489T>C, p.Ser497Pro (NM_001145717.1); c.1204T>C, p.Ser402Pro (NM_173676.2); short protein forms S402P, S411P, S497P.
Identifiers: ClinVar variation 1705695 (VCV001705695.4), dbSNP rs772299482, ClinGen allele CA3778056.